The following is an entry in ClinVar:

ClinVar aggregate classification (germline): Uncertain significance (1 of 4 stars; one submission).

Conditions:
Partial hypoxanthine-guanine phosphoribosyltransferase deficiency. Also called: GOUT, HPRT-RELATED; Kelley-Seegmiller Syndrome; HPRT1 DEFICIENCY, PARTIAL; HPRT DEFICIENCY, PARTIAL; HYPOXANTHINE GUANINE PHOSPHORIBOSYLTRANSFERASE 1 DEFICIENCY, PARTIAL. Identifiers: Orphanet 79233, MedGen C0268117, MONDO:0010299, OMIM 300323.
Lesch-Nyhan syndrome (LNS). Also called: Lesch-Nyhan Disease (LND); HPRT DEFICIENCY, COMPLETE. Identifiers: Orphanet 510, MedGen C0023374, MONDO:0010298, OMIM 300322.

Submission:

Labcorp Genetics (formerly Invitae), Labcorp
Classification: Uncertain significance for Lesch-Nyhan syndrome; Partial hypoxanthine-guanine phosphoribosyltransferase deficiency. Last evaluated: 2024-02-02. Review status: criteria provided, single submitter. Criteria: Invitae Variant Classification Sherloc (09022015). Collection method: clinical testing. Allele origin: germline.
Comment: This sequence change replaces valine, which is neutral and non-polar, with glycine, which is neutral and non-polar, at codon 8 of the HPRT1 protein (p.Val8Gly). This variant is not present in population databases (gnomAD no frequency). This missense change has been observed in individual(s) with Lesch Nyhan syndrome (PMID: 1301916; Invitae). ClinVar contains an entry for this variant (Variation ID: 1410753). An algorithm developed to predict the effect of missense changes on protein structure and function (PolyPhen-2) suggests that this variant is likely to be tolerated. In summary, the available evidence is currently insufficient to determine the role of this variant in disease. Therefore, it has been classified as a Variant of Uncertain Significance.

Literature cited by the submitters: PubMed 1301916.

NM_000194.3(HPRT1):c.23T>G (p.Val8Gly)

Genes: HPRT1 (hypoxanthine phosphoribosyltransferase 1; plus strand), LOC129929047 (ATAC-STARR-seq lymphoblastoid silent region 21009; plus strand), LOC107032760 (origin of replication in promoter/intron 1 of HPRT1; plus strand). Cytogenetic location: Xq26.2.
Variant type: single nucleotide variant.
Coding change: c.23T>G on transcript NM_000194.3 (MANE Select); coding-DNA position 23, T replaced by G.
Protein change: p.Val8Gly; replaces valine 8 with glycine.
Molecular consequence: missense variant.
Genome position (GRCh38, 1-based): chrX:134,460,334, T>G. VCF-style: chrX-134460334-T-G. GRCh37 (hg19) VCF-style: chrX-133594364-T-G.
Other names: short protein forms V8G.
Identifiers: ClinVar variation 1410753 (VCV001410753.8), dbSNP rs2124280542, ClinGen allele CA414711205.